The following is an entry in ClinVar:

NM_016653.3(MAP3K20):c.544C>T (p.Pro182Ser)

Gene: MAP3K20 (mitogen-activated protein kinase kinase kinase 20; plus strand). Cytogenetic location: 2q31.1.
Variant type: single nucleotide variant.
Coding change: c.544C>T on transcript NM_016653.3 (MANE Select); coding-DNA position 544, C replaced by T.
Protein change: p.Pro182Ser; replaces proline 182 with serine.
Molecular consequence: missense variant.
Genome position (GRCh38, 1-based): chr2:173,191,139, C>T. VCF-style: chr2-173191139-C-T. GRCh37 (hg19) VCF-style: chr2-174055867-C-T.
Other names: c.544C>T, p.Pro182Ser (NM_133646.3); short protein forms P182S.
Identifiers: ClinVar variation 1478960 (VCV001478960.6), dbSNP rs2106274976, ClinGen allele CA349313306.
Genomic context (GRCh38, chr2:173,191,139, plus strand): 5'-ACACACATGTCCTTGGTTGGAACTTTCCCATGGATGGCTCCAGAAGTTATCCAGAGTCTC[C>T]CTGTGTCAGAAACTTGTGACACATATTCCTATGGTGTGGTGAGTTCATTTCTCATTTCTT-3'
Protein context (NP_057737.2, residues 172-192): WMAPEVIQSL[Pro182Ser]VSETCDTYSY

ClinVar aggregate classification (germline): Uncertain significance (1 of 4 stars; one submission).

Submission:

Labcorp Genetics (formerly Invitae), Labcorp
Classification: Uncertain significance. Last evaluated: 2022-08-16. Review status: criteria provided, single submitter. Criteria: Invitae Variant Classification Sherloc (09022015). Collection method: clinical testing. Allele origin: germline.
Comment: This sequence change replaces proline with serine at codon 182 of the MAP3K20 protein (p.Pro182Ser). The proline residue is highly conserved and there is a moderate physicochemical difference between proline and serine. This variant is not present in population databases (gnomAD no frequency). This variant has not been reported in the literature in individuals affected with MAP3K20-related conditions. ClinVar contains an entry for this variant (Variation ID: 1478960). In summary, the available evidence is currently insufficient to determine the role of this variant in disease. Therefore, it has been classified as a Variant of Uncertain Significance.